The following is an entry in ClinVar:

NM_002474.3(MYH11):c.3279G>C (p.Gln1093His)

Gene: MYH11 (myosin heavy chain 11; minus strand). Cytogenetic location: 16p13.11.
Variant type: single nucleotide variant.
Coding change: c.3279G>C on transcript NM_002474.3 (MANE Select); coding-DNA position 3279, G replaced by C.
Protein change: p.Gln1093His; replaces glutamine 1093 with histidine.
Molecular consequence: missense variant.
Genome position (GRCh38, 1-based): chr16:15,737,463, C>G on the plus strand (G>C on the coding strand, the complement: MYH11 is on the minus strand). VCF-style: chr16-15737463-C-G. GRCh37 (hg19) VCF-style: chr16-15831320-C-G.
Other names: c.3300G>C, p.Gln1100His (NM_001040113.2, NM_001040114.2); c.3279G>C, p.Gln1093His (NM_022844.3); short protein forms Q1093H, Q1100H.
Identifiers: ClinVar variation 4706473 (VCV004706473.1).
Genomic context (GRCh38, chr16:15,737,463, plus strand): 5'-GGGGATACATGGACACACAGCAAATGCCCCTTGCCAGCCCCGCTACCTGGCCAGGGCCGC[C>G]TGCAGCTCCTCCTCCTTCTTGGCCAGCTGCATCTTGAGCTCTGCGATCTGCGCCTGGAGG-3'
Protein context (NP_002465.1, residues 1083-1103): MQLAKKEEEL[Gln1093His]AALARLDDEI

ClinVar aggregate classification (germline): Uncertain significance (1 of 4 stars; one submission).

Conditions:
Aortic aneurysm, familial thoracic 4 (AAT4). Also called: AORTIC ANEURYSM/AORTIC DISSECTION AND PATENT DUCTUS ARTERIOSUS. Identifiers: MedGen C1851504, MONDO:0007568, OMIM 132900.

Submission:

Labcorp Genetics (formerly Invitae), Labcorp
Classification: Uncertain significance for Aortic aneurysm, familial thoracic 4. Last evaluated: 2025-09-25. Review status: criteria provided, single submitter. Criteria: Invitae Variant Classification Sherloc (09022015). Collection method: clinical testing. Allele origin: germline.
Comment: This sequence change replaces glutamine, which is neutral and polar, with histidine, which is basic and polar, at codon 1100 of the MYH11 protein (p.Gln1100His). This variant is not present in population databases (gnomAD no frequency). This variant has not been reported in the literature in individuals affected with MYH11-related conditions. Invitae Evidence Modeling of protein sequence and biophysical properties (such as structural, functional, and spatial information, amino acid conservation, physicochemical variation, residue mobility, and thermodynamic stability) indicates that this missense variant is not expected to disrupt MYH11 protein function with a negative predictive value of 95%. In summary, the available evidence is currently insufficient to determine the role of this variant in disease. Therefore, it has been classified as a Variant of Uncertain Significance.